The following is an entry in ClinVar:

ClinVar aggregate classification (germline): Uncertain significance (1 of 4 stars; one submission).

Conditions:
Lymphoproliferative syndrome 1 (LPFS1). Identifiers: Orphanet 238505, Orphanet 538963, MedGen C3552634, MONDO:0013081, OMIM 613011.

Allele frequency attached by ClinVar (database versions not stated): gnomAD exomes below 0.00001.
gnomAD v4.1: 6 of 1,614,038 alleles (0.00037%); highest among the groups gnomAD compares: Non-Finnish European, 0.00051%; no homozygotes.

Submission:

Baylor Genetics
Classification: Uncertain significance for Lymphoproliferative syndrome 1. Last evaluated: 2020-06-22. Review status: criteria provided, single submitter. Criteria: ACMG Guidelines, 2015. Collection method: clinical testing. Allele origin: unknown. Affected: yes. Study: CSER-TexasKidsCanSeq.
Comment: This variant was determined to be of uncertain significance according to ACMG Guidelines, 2015 [PMID:25741868].

NM_005546.4(ITK):c.295C>T (p.Arg99Trp)

Gene: ITK (IL2 inducible T cell kinase; plus strand). Cytogenetic location: 5q33.3.
Variant type: single nucleotide variant.
Coding change: c.295C>T on transcript NM_005546.4 (MANE Select); coding-DNA position 295, C replaced by T.
Protein change: p.Arg99Trp; replaces arginine 99 with tryptophan.
Molecular consequence: missense variant.
Genome position (GRCh38, 1-based): chr5:157,211,338, C>T. VCF-style: chr5-157211338-C-T. GRCh37 (hg19) VCF-style: chr5-156638349-C-T.
Other names: short protein forms R99W.
Identifiers: ClinVar variation 998373 (VCV000998373.1), dbSNP rs1754188575, ClinGen allele CA361949793.
Genomic context (GRCh38, chr5:157,211,338, plus strand): 5'-TGTCTCCAGGTGGTGCATGACAACTACCTCCTATATGTGTTTGCTCCAGATCGTGAGAGC[C>T]GGCAGCGCTGGGTGCTGGCCCTTAAAGAAGGTAATTAAACTCCTTTGCCATTGAATCACT-3'
Protein context (NP_005537.3, residues 89-109): LYVFAPDRES[Arg99Trp]QRWVLALKEE